The following is an entry in ClinVar:

NM_177438.3(DICER1):c.4343A>T (p.Glu1448Val)

Gene: DICER1 (dicer 1, ribonuclease III; minus strand). Cytogenetic location: 14q32.13.
Variant type: single nucleotide variant.
Coding change: c.4343A>T on transcript NM_177438.3 (MANE Select); coding-DNA position 4343, A replaced by T.
Protein change: p.Glu1448Val; replaces glutamic acid 1448 with valine.
Molecular consequence: missense variant. On other transcripts: non-coding transcript variant (6).
Genome position (GRCh38, 1-based): chr14:95,096,577, T>A on the plus strand (A>T on the coding strand, the complement: DICER1 is on the minus strand). VCF-style: chr14-95096577-T-A. GRCh37 (hg19) VCF-style: chr14-95562914-T-A.
Other names: c.4343A>T, p.Glu1448Val (NM_001195573.1, NM_001271282.3, NM_001291628.2 and 12 more transcripts); c.4061A>T, p.Glu1354Val (NM_001395686.1); c.3938A>T, p.Glu1313Val (NM_001395687.1, NM_001395688.1, NM_001395689.1 and 2 more transcripts); c.3776A>T, p.Glu1259Val (NM_001395691.1); c.2660A>T, p.Glu887Val (NM_001395697.1); short protein forms E1354V, E1448V, E1313V, E1259V, E887V.
Identifiers: ClinVar variation 5035235 (VCV005035235.1).

ClinVar aggregate classification (germline): Uncertain significance (1 of 4 stars; one submission).

Conditions:
Hereditary cancer-predisposing syndrome. Also called: Hereditary Cancer Syndrome; Neoplastic Syndromes, Hereditary; Tumor predisposition; Hereditary neoplastic syndrome. Identifiers: Orphanet 140162, MedGen C0027672, MeSH D009386, MONDO:0015356.

Submission:

Ambry Genetics
Classification: Uncertain significance for Hereditary cancer-predisposing syndrome. Last evaluated: 2026-06-29. Review status: criteria provided, single submitter. Criteria: Ambry Variant Classification Scheme 2023. Collection method: clinical testing. Allele origin: germline.
Comment: The c.4343A>T variant (also known as p.E1448V), located in coding exon 22 of the DICER1 gene, results from an A to T substitution at nucleotide position 4343. The glutamic acid at codon 1448 is replaced by valine, an amino acid with dissimilar properties. This nucleotide position is highly conserved in available vertebrate species. In silico splice site analysis predicts that this alteration will result in the creation or strengthening of a novel splice donor site; however, direct evidence is insufficient at this time (Ambry internal data). This amino acid position is highly conserved in available vertebrate species. In addition, this alteration is predicted to be deleterious by in silico analysis. Based on the available evidence, the clinical significance of this variant remains unclear.